The following is an entry in ClinVar:

ClinVar aggregate classification (germline): Pathogenic (1 of 4 stars; one submission).

Conditions:
Breast-ovarian cancer, familial, susceptibility to, 4. Identifiers: Orphanet 145, MedGen C3280345, MONDO:0013669, OMIM 614291.

Submission:

Myriad Genetics, Inc.
Classification: Pathogenic for Breast-ovarian cancer, familial, susceptibility to, 4. Last evaluated: 2024-01-04. Review status: criteria provided, single submitter. Criteria: Myriad Autosomal Dominant, Autosomal Recessive and X-Linked Classification Criteria (2023). Collection method: clinical testing. Allele origin: unknown.
Comment: This variant is considered pathogenic. This variant creates a frameshift predicted to result in premature protein truncation.

NM_002878.4(RAD51D):c.509_512delinsATT (p.Val170fs)

Genes: RAD51D (RAD51 paralog D; minus strand), RAD51L3-RFFL (RAD51L3-RFFL readthrough; minus strand). Cytogenetic location: 17q12.
Variant type: Indel.
Coding change: c.509_512delinsATT on transcript NM_002878.4 (MANE Select); coding-DNA positions 509 to 512, TGCA replaced by ATT.
Protein change: p.Val170fs; shifts the reading frame from valine 170.
Molecular consequence: frameshift variant. On other transcripts: non-coding transcript variant (3).
Genome position (GRCh38, 1-based): chr17:35,106,450-35,106,453, TGCA replaced by AAT on the plus strand (TGCA replaced by ATT on the coding strand, the reverse complement: RAD51D is on the minus strand). VCF-style: chr17-35106450-TGCA-AAT. GRCh37 (hg19) VCF-style: chr17-33433469-TGCA-AAT.
Other names: c.569_572delinsATT, p.Val190fs (NM_001142571.2); c.173_176delinsATT, p.Val58fs (NM_133629.3); short protein forms V170fs, V190fs, V58fs.
Identifiers: ClinVar variation 3148446 (VCV003148446.1), dbSNP rs2509135478, ClinGen allele CA2825002492.